The following is an entry in ClinVar:

NM_000441.2(SLC26A4):c.1151A>G (p.Glu384Gly)

Gene: SLC26A4 (solute carrier family 26 member 4; plus strand). Cytogenetic location: 7q22.3.
Variant type: single nucleotide variant.
Coding change: c.1151A>G on transcript NM_000441.2 (MANE Select); coding-DNA position 1151, A replaced by G.
Protein change: p.Glu384Gly; replaces glutamic acid 384 with glycine.
Molecular consequence: missense variant.
Genome position (GRCh38, 1-based): chr7:107,690,125, A>G. VCF-style: chr7-107690125-A-G. GRCh37 (hg19) VCF-style: chr7-107330570-A-G.
Other names: short protein forms E384G.
Identifiers: ClinVar variation 4820 (VCV000004820.47), dbSNP rs111033244, ClinGen allele CA261398.

ClinVar aggregate classification (germline): Pathogenic/Likely pathogenic. Review status: criteria provided, multiple submitters, no conflicts (2 of 4 stars). 21 submissions from 20 submitters: Pathogenic (18); Likely pathogenic (1). 2 of the submissions do not count toward it. Last evaluated 2026-06-17.

Conditions:
Rare genetic deafness. Identifiers: Orphanet 96210, MedGen C5680250.
Monogenic hearing loss.
SLC26A4-related disorder. Also called: SLC26A4-related condition; SLC26A4-related disorders.
Pendred syndrome (PDS). Also called: GOITER-DEAFNESS SYNDROME; HYPOTHYROIDISM, CONGENITAL, DUE TO DYSHORMONOGENESIS, 2B; DEAFNESS WITH GOITER; Pendred's syndrome; Pendred Syndrome (PDS); THYROID DYSHORMONOGENESIS 2B. Identifiers: Orphanet 705, MedGen C0271829, MONDO:0010134, OMIM 274600.
Autosomal recessive nonsyndromic hearing loss 4 (DFNB4). Also called: Deafness, autosomal recessive 4; Enlarged vestibular aqueduct, digenic; FOXI1-Related Pendred Syndrome; KCNJ10-Related Pendred Syndrome; NEUROSENSORY NONSYNDROMIC RECESSIVE DEAFNESS 4; DEAFNESS, AUTOSOMAL RECESSIVE 4, WITH ENLARGED VESTIBULAR AQUEDUCT, DIGENIC. Identifiers: Orphanet 90636, MedGen C3538946, MONDO:0010933, OMIM 600791.

Allele frequency attached by ClinVar (database versions not stated): TOPMed 0.00014; gnomAD exomes 0.00011 and 0.00038; gnomAD 0.00015 and 0.00016; ExAC 0.00011.
gnomAD v4.1: 555 of 1,577,404 alleles (0.035%); highest among the groups gnomAD compares: Non-Finnish European, 0.047%; no homozygotes.

Submissions 1 to 14 of 21:

PreventionGenetics, part of Exact Sciences
Classification: Pathogenic for SLC26A4-related condition. Last evaluated: 2026-06-17. Review status: criteria provided, single submitter. Criteria: ACMG Guidelines, 2015. Collection method: clinical testing. Allele origin: germline.
Comment: The SLC26A4 c.1151A>G variant is predicted to result in the amino acid substitution p.Glu384Gly. This variant has been reported to be causative for Pendred syndrome (Coyle et al. 1998. PubMed ID: 9618167; Borck et al. 2003. PubMed ID: 12788906; Ladsous et al. 2014. PubMed ID: 24224479). In vitro functional studies indicate that this variant results in retention of the SLC26A4 protein in the endoplasmic reticulum and complete loss of iodide and chloride anion transport (Rotman-Pikielny et al. 2002. PubMed ID: 12354788; Scott et al. 2000. PubMed ID: 10861298). This variant is reported in 0.022% of alleles in individuals of European (Non-Finnish) descent in gnomAD. This variant is interpreted as pathogenic.

CeGaT Center for Human Genetics Tuebingen
Classification: Pathogenic. Last evaluated: 2026-04-01. Review status: criteria provided, single submitter. Criteria: CeGaT Center For Human Genetics Tuebingen Variant Classification Criteria Version 2. Collection method: clinical testing. Allele origin: germline. Affected: yes. Observed: 2 variant alleles.
Comment: SLC26A4: PM3:Very Strong, PM2, PS3:Supporting

Genetics Laboratory, Great Ormond Street Hospital NHS Foundation Trust, North Thames Genomic Laboratory Hub
Classification: Pathogenic for Monogenic hearing loss. Last evaluated: 2026-03-11. Review status: criteria provided, single submitter. Criteria: ACGS Best Practice Guidelines for Variant Classification in Rare Disease 2024 v1.2. Collection method: clinical testing. Allele origin: germline. Affected: yes.
Comment: PM2_supporting, PP3_supporting, PS3_supporting, PM3_very-strong, PP4_supporting

Labcorp Genetics (formerly Invitae), Labcorp
Classification: Pathogenic. Last evaluated: 2026-01-11. Review status: criteria provided, single submitter. Criteria: Invitae Variant Classification Sherloc (09022015). Collection method: clinical testing. Allele origin: germline.
Comment: This sequence change replaces glutamic acid, which is acidic and polar, with glycine, which is neutral and non-polar, at codon 384 of the SLC26A4 protein (p.Glu384Gly). This variant is present in population databases (rs111033244, gnomAD 0.02%). This missense change has been observed in individuals with Pendred syndrome or nonsyndromic hearing loss and enlargement of the vestibular aqueduct (PMID: 9618167, 15355436, 15689455, 16283880, 24224479). ClinVar contains an entry for this variant (Variation ID: 4820). An algorithm developed to predict the effect of missense changes on protein structure and function (PolyPhen-2) suggests that this variant is likely to be disruptive. Experimental studies have shown that this missense change affects SLC26A4 function (PMID: 10861298, 12354788, 18310264, 22116358). For these reasons, this variant has been classified as Pathogenic.

GeneDx
Classification: Pathogenic. Last evaluated: 2025-12-22. Review status: criteria provided, single submitter. Criteria: GeneDx Variant Classification Process June 2021. Collection method: clinical testing. Allele origin: germline. Affected: yes.
Comment: Published functional studies demonstrate a damaging effect due to aberrant protein processing with retention of pendrin in the endoplasmic reticulum, absence of proper pendrin assembly at the cell membrane, impaired protein glycosylation, and a deleterious effect on anion transport function (PMID: 10861298, 18310264, 12354788, 38474007); In silico analysis supports that this missense variant has a deleterious effect on protein structure/function; This variant is associated with the following publications: (PMID: 14508505, 21455268, 26485571, 11317356, 14679580, 20553101, 24224479, 19620588, 34416374, 31589614, 32853555, 33879512, 31980526, 22975760, 12354788, 18310264, 24860705, 23824432, 19017801, 25290043, 18368581, 18250610, 15368487, 25455162, 22116358, 20739942, 9604973, 9618167, 23336812, 15355436, 12788906, 21917135, 17672986, 23838540, 20621367, 23504402, 23965030, 15689455, 19204907, 11919333, 16283880, 15099345, 19509082, 20301640, 27771369, 34171171, 10861298, 38474007, 39333430)

Natera, Inc.
Classification: Pathogenic for Pendred syndrome. Last evaluated: 2025-09-08. Review status: criteria provided, single submitter. Criteria: Natera Variant Classification Schema (03/2026). Collection method: clinical testing. Allele origin: germline.
Comment: The c.1151A>G variant in SLC26A4 is a missense variant predicted to cause substitution of glutamic acid to glycine at amino acid 384. This variant is rare in the general population with a frequency below the threshold expected for the associated phenotype(s). This variant has been observed in one or more individuals affected with the associated recessive disease, as either homozygous or compound heterozygous with a second variant (PMID: 23336812). Computational prediction algorithms indicate this variant is likely to affect gene or protein function. Given the available evidence, this variant is classified as Pathogenic.

Blueprint Genetics
Classification: Pathogenic for SLC26A4-related disorders. Last evaluated: 2024-10-16. Review status: criteria provided, single submitter. Criteria: ACMG Guidelines, 2015. Collection method: clinical testing. Allele origin: germline. Affected: yes. Observed: 5 variant alleles.

Baylor Genetics
Classification: Pathogenic for Autosomal recessive nonsyndromic hearing loss 4. Last evaluated: 2024-03-27. Review status: criteria provided, single submitter. Criteria: ACMG Guidelines, 2015. Collection method: clinical testing. Allele origin: unknown.

Fulgent Genetics
Classification: Pathogenic for Pendred syndrome; Autosomal recessive nonsyndromic hearing loss 4. Last evaluated: 2024-03-02. Review status: criteria provided, single submitter. Criteria: ACMG Guidelines, 2015. Collection method: clinical testing. Allele origin: germline.

Women's Health and Genetics/Laboratory Corporation of America, LabCorp
Classification: Pathogenic for Pendred syndrome. Last evaluated: 2022-05-22. Review status: criteria provided, single submitter. Criteria: LabCorp Variant Classification Summary - May 2015. Collection method: clinical testing. Allele origin: germline.
Comment: Variant summary: SLC26A4 c.1151A>G (p.Glu384Gly) results in a non-conservative amino acid change located in the SLC26A/SulP transporter domain (IPR011547) of the encoded protein sequence. Five of five in-silico tools predict a damaging effect of the variant on protein function. 4/4 computational tools predict no significant impact on normal splicing. However, these predictions have yet to be confirmed by functional studies. The variant allele was found at a frequency of 0.00011 in 251090 control chromosomes. This frequency is not significantly higher than estimated for a pathogenic variant in SLC26A4 causing Pendred Syndrome (0.00011 vs 0.0035), allowing no conclusion about variant significance. c.1151A>G has been reported in the literature as a compound heterozygous genotype in multiple individuals affected with features of Pendred Syndrome/Syndromic Sensorineural Hearing Loss (SNHL)/Non-syndromic SNHL (example, Coyle_1998, Hutchin_2005, Molina-Ramirez_2021). These data indicate that the variant is very likely to be associated with disease. At least one publication reports experimental evidence evaluating an impact on protein function. The most pronounced variant effect results in complete loss of Pendrin induced chloride and iodide transport (Scott_2000) and complete retention of Pendrin in the endoplasmic reticulum (ER) as a major mechanism for Pendred syndrome (Rotman-Pikielny_2002). Eight clinical diagnostic laboratories have submitted clinical-significance assessments for this variant to ClinVar after 2014 without evidence for independent evaluation. All laboratories classified the variant as pathogenic/likely pathogenic. Based on the evidence outlined above, the variant was classified as pathogenic.

Mayo Clinic Laboratories, Mayo Clinic
Classification: Pathogenic. Last evaluated: 2022-05-10. Review status: criteria provided, single submitter. Criteria: ACMG Guidelines, 2015. Collection method: clinical testing. Allele origin: germline. Observed: 1 variant allele.
Comment: PP3, PM2_supporting, PM3_very_strong, PS3

Revvity Omics, Revvity
Classification: Pathogenic. Last evaluated: 2022-01-02. Review status: criteria provided, single submitter. Criteria: ACMG Guidelines, 2015. Collection method: clinical testing. Allele origin: germline.

Genome-Nilou Lab
Classification: Pathogenic for Autosomal recessive nonsyndromic hearing loss 4. Last evaluated: 2021-09-05. Review status: criteria provided, single submitter. Criteria: ACMG Guidelines, 2015. Collection method: clinical testing. Allele origin: germline. Affected: no.

Genome-Nilou Lab
Classification: Pathogenic for Pendred syndrome. Last evaluated: 2021-09-05. Review status: criteria provided, single submitter. Criteria: ACMG Guidelines, 2015. Collection method: clinical testing. Allele origin: germline. Affected: no.